The following is an entry in ClinVar:

ClinVar aggregate classification (germline): Uncertain significance (1 of 4 stars; one submission).

Conditions:
Familial temporal lobe epilepsy 7. Identifiers: Orphanet 101046, MedGen C4225327, MONDO:0014639, OMIM 616436.
Norman-Roberts syndrome (LIS2). Also called: Lissencephaly 2 (Norman-Roberts type). Identifiers: Orphanet 89844, MedGen C0796089, MONDO:0009760, OMIM 257320.

Submission:

Labcorp Genetics (formerly Invitae), Labcorp
Classification: Uncertain significance for Familial temporal lobe epilepsy 7; Norman-Roberts syndrome. Last evaluated: 2022-04-28. Review status: criteria provided, single submitter. Criteria: Invitae Variant Classification Sherloc (09022015). Collection method: clinical testing. Allele origin: germline.
Comment: Algorithms developed to predict the effect of missense changes on protein structure and function are either unavailable or do not agree on the potential impact of this missense change (SIFT: "Deleterious"; PolyPhen-2: "Possibly Damaging"; Align-GVGD: "Class C0"). In summary, the available evidence is currently insufficient to determine the role of this variant in disease. Therefore, it has been classified as a Variant of Uncertain Significance. This sequence change replaces isoleucine, which is neutral and non-polar, with methionine, which is neutral and non-polar, at codon 637 of the RELN protein (p.Ile637Met). This variant is not present in population databases (gnomAD no frequency). This variant has not been reported in the literature in individuals affected with RELN-related conditions.

NM_005045.4(RELN):c.1911T>G (p.Ile637Met)

Gene: RELN (reelin; minus strand). Cytogenetic location: 7q22.1.
Variant type: single nucleotide variant.
Coding change: c.1911T>G on transcript NM_005045.4 (MANE Select); coding-DNA position 1911, T replaced by G.
Protein change: p.Ile637Met; replaces isoleucine 637 with methionine.
Molecular consequence: missense variant.
Genome position (GRCh38, 1-based): chr7:103,650,365, A>C on the plus strand (T>G on the coding strand, the complement: RELN is on the minus strand). VCF-style: chr7-103650365-A-C. GRCh37 (hg19) VCF-style: chr7-103290812-A-C.
Other names: c.1911T>G, p.Ile637Met (NM_173054.3); short protein forms I637M.
Identifiers: ClinVar variation 1435736 (VCV001435736.8), dbSNP rs2117386083, ClinGen allele CA368764149.
Genomic context (GRCh38, chr7:103,650,365, plus strand): 5'-TGGTCCTGTTTGTCTCCAGCGAATCCTGGTGTTCCGGGTTAGTGCTGCGTTAGGAAGGGG[A>C]ATTGTTATTCGGTTCCACCTGCAAGAAATTTAGCACAAAACCATCTTCACAACTATGTTC-3'
Protein context (NP_005036.2, residues 627-647): ENYSGWNRIT[Ile637Met]PLPNAALTRN